The following is an entry in ClinVar:

NM_001385641.1(SAMD11):c.881A>G (p.His294Arg)

Gene: SAMD11 (sterile alpha motif domain containing 11; plus strand). Cytogenetic location: 1p36.33.
Variant type: single nucleotide variant.
Coding change: c.881A>G on transcript NM_001385641.1 (MANE Select); coding-DNA position 881, A replaced by G.
Protein change: p.His294Arg; replaces histidine 294 with arginine.
Molecular consequence: missense variant.
Genome position (GRCh38, 1-based): chr1:935,810, A>G. VCF-style: chr1-935810-A-G. GRCh37 (hg19) VCF-style: chr1-871190-A-G.
Other names: c.881A>G, p.His294Arg (NM_001385640.1); c.344A>G, p.His115Arg (NM_152486.4); short protein forms H115R, H294R.
Identifiers: ClinVar variation 1379812 (VCV001379812.6), dbSNP rs1569889088, ClinGen allele CA337797664.

ClinVar aggregate classification (germline): Uncertain significance (1 of 4 stars; one submission).

gnomAD v4.1: 1 of 1,613,374 alleles (0.000062%); highest among the groups gnomAD compares: Non-Finnish European, 0.000085%; no homozygotes.

Submission:

Labcorp Genetics (formerly Invitae), Labcorp
Classification: Uncertain significance. Last evaluated: 2021-09-05. Review status: criteria provided, single submitter. Criteria: Invitae Variant Classification Sherloc (09022015). Collection method: clinical testing. Allele origin: germline.
Comment: This variant has not been reported in the literature in individuals affected with SAMD11-related conditions. This variant is not present in population databases (ExAC no frequency). This sequence change replaces histidine with arginine at codon 115 of the SAMD11 protein (p.His115Arg). The histidine residue is moderately conserved and there is a small physicochemical difference between histidine and arginine. Algorithms developed to predict the effect of missense changes on protein structure and function output the following: SIFT: "Tolerated"; PolyPhen-2: "Benign"; Align-GVGD: "Class C0". The arginine amino acid residue is found in multiple mammalian species, which suggests that this missense change does not adversely affect protein function. In summary, the available evidence is currently insufficient to determine the role of this variant in disease. Therefore, it has been classified as a Variant of Uncertain Significance.